The following is an entry in ClinVar:

ClinVar aggregate classification (germline): Conflicting classifications of pathogenicity. Review status: criteria provided, conflicting classifications (1 of 4 stars). 5 submissions from 5 submitters: Pathogenic (1); Likely pathogenic (2); Uncertain significance (2). Last evaluated 2025-07-09.

Conditions:
Cardiovascular phenotype. Identifiers: MedGen CN230736.
Long QT syndrome (LQTS). Identifiers: MedGen C0023976, MeSH D008133, MONDO:0002442. Disease mechanism: loss of function. Inheritance: Various modes of inheritance.

Allele frequency attached by ClinVar (database versions not stated): gnomAD exomes below 0.00001; TOPMed 0.00001.
gnomAD v4.1: 1 of 1,613,556 alleles (0.000062%); highest among the groups gnomAD compares: Non-Finnish European, 0.000085%; no homozygotes.

Submissions (5):

Ambry Genetics
Classification: Uncertain significance for Cardiovascular phenotype. Last evaluated: 2025-07-09. Review status: criteria provided, single submitter. Criteria: Ambry Variant Classification Scheme 2023. Collection method: clinical testing. Allele origin: germline.
Comment: The p.C19* variant (also known as c.57C>A), located in coding exon 1 of the CAV3 gene, results from a C to A substitution at nucleotide position 57. This changes the amino acid from a cysteine to a stop codon within coding exon 1. This alteration is expected to result in loss of function by premature protein truncation or nonsense-mediated mRNA decay. Although truncating variants have been implicated in autosomal recessive caveolinopathy, loss of function has not been established as a mechanism of disease for autosomal dominant caveolinopathy (M&uuml;ller JS et al. Neuromuscul Disord, 2006 Jul;16:432-6; Ueyama H et al. Neuromuscul Disord, 2007 Jul;17:558-61; Traverso M et al. J Neurol Neurosurg Psychiatry, 2008 Jun;79:735-7). Based on the supporting evidence, this variant is expected to be pathogenic for autosomal recessive caveolinopathy when present along with a second pathogenic variant on the other allele; however, the clinical significance of this variant in the heterozygous state is unclear.

GeneDx
Classification: Likely pathogenic. Last evaluated: 2025-07-09. Review status: criteria provided, single submitter. Criteria: GeneDx Variant Classification Process June 2021. Collection method: clinical testing. Allele origin: germline. Affected: yes.
Comment: Reported in multiple individuals with Barrett's esophagus and esophageal adenocarcinoma from a single large family (PMID: 37659676); Nonsense variant predicted to result in protein truncation or nonsense mediated decay in a gene for which loss of function is a known mechanism of disease; Not observed at significant frequency in large population cohorts (gnomAD); This variant is associated with the following publications: (PMID: 37659676)

Labcorp Genetics (formerly Invitae), Labcorp
Classification: Pathogenic for Long QT syndrome. Last evaluated: 2024-05-09. Review status: criteria provided, single submitter. Criteria: Invitae Variant Classification Sherloc (09022015). Collection method: clinical testing. Allele origin: germline.
Comment: This sequence change creates a premature translational stop signal (p.Cys19*) in the CAV3 gene. It is expected to result in an absent or disrupted protein product. Loss-of-function variants in CAV3 are known to be pathogenic (PMID: 18487559). This variant is present in population databases (no rsID available, gnomAD 0.0009%). This variant has not been reported in the literature in individuals affected with CAV3-related conditions. ClinVar contains an entry for this variant (Variation ID: 950959). For these reasons, this variant has been classified as Pathogenic.

AiLife Diagnostics
Classification: Uncertain significance. Last evaluated: 2022-02-22. Review status: criteria provided, single submitter. Criteria: ACMG Guidelines, 2015. Collection method: clinical testing. Allele origin: germline. Affected: yes. Observed: 1 variant allele.

Mayo Clinic Laboratories, Mayo Clinic
Classification: Likely pathogenic. Last evaluated: 2020-04-16. Review status: criteria provided, single submitter. Criteria: ACMG Guidelines, 2015. Collection method: clinical testing. Allele origin: germline. Observed: 1 variant allele.
Comment: PVS1, PM2

Literature cited by the submitters: PubMed 18487559 (cited by Labcorp Genetics (formerly Invitae), Labcorp).

NM_033337.3(CAV3):c.57C>A (p.Cys19Ter)

Gene: CAV3 (caveolin 3; plus strand). Cytogenetic location: 3p25.3.
Variant type: single nucleotide variant.
Coding change: c.57C>A on transcript NM_033337.3 (MANE Select); coding-DNA position 57, C replaced by A.
Protein change: p.Cys19Ter; replaces cysteine 19 with a stop codon.
Molecular consequence: nonsense.
Genome position (GRCh38, 1-based): chr3:8,733,933, C>A. VCF-style: chr3-8733933-C-A. GRCh37 (hg19) VCF-style: chr3-8775619-C-A.
Other names: c.57C>A, p.Cys19Ter (NM_001234.5); short protein forms C19*.
Identifiers: ClinVar variation 950959 (VCV000950959.16), dbSNP rs1182984115, ClinGen allele CA351661381.